The following is an entry in ClinVar:

ClinVar aggregate classification (germline): Uncertain significance (1 of 4 stars; one submission).

Conditions:
Global developmental delay with or without impaired intellectual development. Identifiers: MedGen C5193032, MONDO:0032680, OMIM 618330.

Submission:

Neuberg Centre For Genomic Medicine, NCGM
Classification: Uncertain significance for Global developmental delay with or without impaired intellectual development. Review status: criteria provided, single submitter. Criteria: ACMG Guidelines, 2015. Collection method: clinical testing. Allele origin: germline. Inheritance: Autosomal dominant inheritance. Affected: yes.
Comment: The missense c.2631G>C(p.Glu877Asp) variant in CUX1 gene has not been reported previously as a pathogenic variant nor a benign variant, to our knowledge. The p.Glu877Asp variant is novel (not in any individuals) in both gnomAD Exomes and 1000 Genomes databases. This variant has not been reported to the ClinVar database. The amino acid Glu at position 877 is changed to a Asp changing protein sequence and it might alter its composition and physico-chemical properties. For these reasons, this variant has been classified as a Variant of Uncertain Significance (VUS).

NM_181552.4(CUX1):c.2631G>C (p.Glu877Asp)

Gene: CUX1 (cut like homeobox 1; plus strand). Cytogenetic location: 7q22.1.
Variant type: single nucleotide variant.
Coding change: c.2631G>C on transcript NM_181552.4 (MANE Select); coding-DNA position 2631, G replaced by C.
Protein change: p.Glu877Asp; replaces glutamic acid 877 with aspartic acid.
Molecular consequence: missense variant. On other transcripts: intron variant (5).
Genome position (GRCh38, 1-based): chr7:102,201,928, G>C. VCF-style: chr7-102201928-G-C. GRCh37 (hg19) VCF-style: chr7-101845208-G-C.
Other names: c.2664G>C, p.Glu888Asp (NM_001202543.2); c.1255+6325G>C (NM_001913.5); c.1249+6325G>C (NM_181500.4); c.1117+6325G>C (NM_001202545.3); c.1207+6325G>C (NM_001202544.3); c.1138+6325G>C (NM_001202546.3); short protein forms E877D, E888D.
Identifiers: ClinVar variation 2664191 (VCV002664191.1), dbSNP rs141755091, ClinGen allele CA368683213.
Genomic context (GRCh38, chr7:102,201,928, plus strand): 5'-CGGAGGTGGCAGCCAGCCTCGGGCCGAGCGCAGTCAGCTCCAGGGACCCTCGTCGTCAGA[G>C]TACTGGAAGGAGTGGCCCAGCGCTGAGTCCCCATACTCCCAGAGCTCAGAGCTGAGTCTG-3'
Protein context (NP_853530.2, residues 867-887): RSQLQGPSSS[Glu877Asp]YWKEWPSAES